The following is an entry in ClinVar:

ClinVar aggregate classification (germline): Pathogenic/Likely pathogenic. Review status: criteria provided, multiple submitters, no conflicts (2 of 4 stars). 2 submissions from 2 submitters: Pathogenic (1); Likely pathogenic (1). Last evaluated 2025-07-01.

Conditions:
POMC-related disorder. Also called: POMC-related condition; POMC-related disorders.

Allele frequency attached by ClinVar (database versions not stated): gnomAD exomes below 0.00001; TOPMed below 0.00001.

Submissions (2):

PreventionGenetics, part of Exact Sciences
Classification: Likely pathogenic for POMC-related condition. Last evaluated: 2025-07-01. Review status: criteria provided, single submitter. Criteria: ACMG Guidelines, 2015. Collection method: clinical testing. Allele origin: germline.
Comment: The POMC c.48delG variant is predicted to result in a frameshift and premature protein termination (p.Leu16Phefs*55). To our knowledge, this variant has not been reported in the literature or in a large population database (gnomAD), indicating this variant is rare. Frameshift variants in POMC are expected to be pathogenic. This variant is interpreted as likely pathogenic.

Labcorp Genetics (formerly Invitae), Labcorp
Classification: Pathogenic. Last evaluated: 2023-10-04. Review status: criteria provided, single submitter. Criteria: Invitae Variant Classification Sherloc (09022015). Collection method: clinical testing. Allele origin: germline.
Comment: This sequence change creates a premature translational stop signal (p.Leu16Phefs*55) in the POMC gene. While this is not anticipated to result in nonsense mediated decay, it is expected to disrupt the last 252 amino acid(s) of the POMC protein. This variant is not present in population databases (gnomAD no frequency). This variant has not been reported in the literature in individuals affected with POMC-related conditions. This variant disrupts a region of the POMC protein in which other variant(s) (p.Tyr77*) have been determined to be pathogenic (PMID: 9620771, 10652501, 21860632, 27906547). This suggests that this is a clinically significant region of the protein, and that variants that disrupt it are likely to be disease-causing. For these reasons, this variant has been classified as Pathogenic.

Literature cited by the submitters: PubMed 9620771 (cited by Labcorp Genetics (formerly Invitae), Labcorp); PubMed 10652501 (cited by Labcorp Genetics (formerly Invitae), Labcorp); PubMed 21860632 (cited by Labcorp Genetics (formerly Invitae), Labcorp); PubMed 27906547 (cited by Labcorp Genetics (formerly Invitae), Labcorp).

NM_000939.4(POMC):c.48del (p.Leu16fs)

Gene: POMC (proopiomelanocortin; minus strand). Cytogenetic location: 2p23.3.
Variant type: Deletion.
Coding change: c.48del on transcript NM_000939.4 (MANE Select); coding-DNA position 48, one base deleted (G; older notation c.48delG).
Protein change: p.Leu16fs; shifts the reading frame from leucine 16.
Molecular consequence: frameshift variant.
Genome position (GRCh38, 1-based): chr2:25,164,725, C deleted on the plus strand (G on the coding strand, the reverse complement: POMC is on the minus strand). VCF-style (leftmost placement, unchanged base first): chr2-25164724-GC-G. GRCh37 (hg19) VCF-style: chr2-25387593-GC-G.
Other names: c.48delG (NM_000939.3); c.48del, p.Leu16fs (NM_001035256.3, NM_001319204.2, NM_001319205.2); short protein forms L16fs.
Identifiers: ClinVar variation 2989528 (VCV002989528.4), dbSNP rs1470594332, ClinGen allele CA767151247.
Genomic context (GRCh38, chr2:25,164,724, plus strand): 5'-GGTCCTGACACTGGCTGCTCTCCAGGCACCAGCCACGCACTTCCATGGAGGCCTGAAGCA[GC>G]AAGGCCAGCAACAGGGCCCCCGAGCGGCTGCAGCACGATCTCGGCATCTTCCAGGCAGGC-3'